The following is an entry in ClinVar:

ClinVar aggregate classification (germline): Uncertain significance (1 of 4 stars; one submission).

Submission:

Labcorp Genetics (formerly Invitae), Labcorp
Classification: Uncertain significance. Last evaluated: 2023-03-23. Review status: criteria provided, single submitter. Criteria: Invitae Variant Classification Sherloc (09022015). Collection method: clinical testing. Allele origin: germline.
Comment: In summary, the available evidence is currently insufficient to determine the role of this variant in disease. Therefore, it has been classified as a Variant of Uncertain Significance. Advanced modeling of protein sequence and biophysical properties (such as structural, functional, and spatial information, amino acid conservation, physicochemical variation, residue mobility, and thermodynamic stability) performed at Invitae indicates that this missense variant is not expected to disrupt STAT4 protein function. This variant has not been reported in the literature in individuals affected with STAT4-related conditions. This variant is not present in population databases (gnomAD no frequency). This sequence change replaces valine, which is neutral and non-polar, with phenylalanine, which is neutral and non-polar, at codon 123 of the STAT4 protein (p.Val123Phe).

NM_003151.4(STAT4):c.367G>T (p.Val123Phe)

Gene: STAT4 (signal transducer and activator of transcription 4; minus strand). Cytogenetic location: 2q32.2.
Variant type: single nucleotide variant.
Coding change: c.367G>T on transcript NM_003151.4 (MANE Select); coding-DNA position 367, G replaced by T.
Protein change: p.Val123Phe; replaces valine 123 with phenylalanine.
Molecular consequence: missense variant.
Genome position (GRCh38, 1-based): chr2:191,076,232, C>A on the plus strand (G>T on the coding strand, the complement: STAT4 is on the minus strand). VCF-style: chr2-191076232-C-A. GRCh37 (hg19) VCF-style: chr2-191940958-C-A.
Other names: c.367G>T, p.Val123Phe (NM_001243835.2); short protein forms V123F.
Identifiers: ClinVar variation 2848854 (VCV002848854.3), dbSNP rs1697314886, ClinGen allele CA349920352.